The following is an entry in ClinVar:

NM_015246.4(MGRN1):c.881G>A (p.Arg294His)

Gene: MGRN1 (mahogunin ring finger 1; plus strand). Cytogenetic location: 16p13.3.
Variant type: single nucleotide variant.
Coding change: c.881G>A on transcript NM_015246.4 (MANE Select); coding-DNA position 881, G replaced by A.
Protein change: p.Arg294His; replaces arginine 294 with histidine.
Molecular consequence: missense variant. On other transcripts: non-coding transcript variant (1).
Genome position (GRCh38, 1-based): chr16:4,673,583, G>A. VCF-style: chr16-4673583-G-A. GRCh37 (hg19) VCF-style: chr16-4723584-G-A.
Other names: c.881G>A, p.Arg294His (NM_001142289.3, NM_001142290.3, NM_001142291.3); short protein forms R294H.
Identifiers: ClinVar variation 4820331 (VCV004820331.1).

ClinVar aggregate classification (germline): VUS-high (1 of 4 stars; one submission).

Submission:

Laan Lab, Human Genetics Research Group, University of Tartu
Classification: VUS-high. Last evaluated: 2026-02-16. Review status: criteria provided, single submitter. Criteria: ACMG Guidelines, 2015. Collection method: research. Allele origin: inherited. Inheritance: Autosomal recessive inheritance. Affected: yes. Observed: 2 variant alleles, 2 homozygotes. Clinical features observed: Ventricular septal defect (HP:0001629), Outflow tract malposition, Pulmonary artery hypoplasia, Ductus arteriosus hypoplasia, Laterality defects, Pulmonary valve stenosis.
Comment: The MGRN1 c.881G>A, p.(Arg294His) variant was identified in the homozygous state in two fetuses presenting with severe congenital heart defects, with both parents confirmed as heterozygous carriers, consistent with recessive inheritance. The variant is extremely rare in population databases, including gnomAD v4.1.0 (allele frequency <8×10⁻⁵; no homozygotes among 806,798 individuals) and All of Us (allele frequency 1.3×10⁻⁵; no homozygotes among 414,802 individuals). Multiple in silico tools support a deleterious effect of the substitution (CADD 34, REVEL 0.856). MGRN1 encodes an E3 ubiquitin ligase involved in developmental signalling pathways. Notably, Mgrn1-deficient mouse models show abnormal embryonic patterning, left–right axis defects, and complex congenital heart malformations, which are consistent with the phenotypes observed in the affected fetuses (Cota et al. 2006; PMID: 17075880). Based on ACMG/AMP guidelines, the variant meets criteria PM2, PM3, and PP3. However, as the gene–disease relationship for MGRN1 has not yet been independently established, the variant is classified as a variant of uncertain significance (VUS).

Literature cited by the submitters: PubMed 41781207.